The following is an entry in ClinVar:

NM_001127222.2(CACNA1A):c.5971G>C (p.Glu1991Gln)

Gene: CACNA1A (calcium voltage-gated channel subunit alpha1 A; minus strand). Cytogenetic location: 19p13.13.
Variant type: single nucleotide variant.
Coding change: c.5971G>C on transcript NM_001127222.2 (MANE Select); coding-DNA position 5971, G replaced by C.
Protein change: p.Glu1991Gln; replaces glutamic acid 1991 with glutamine.
Molecular consequence: missense variant.
Genome position (GRCh38, 1-based): chr19:13,212,710, C>G on the plus strand (G>C on the coding strand, the complement: CACNA1A is on the minus strand). VCF-style: chr19-13212710-C-G. GRCh37 (hg19) VCF-style: chr19-13323524-C-G.
Other names: c.5989G>C, p.Glu1997Gln (NM_000068.4, NM_023035.3); c.5974G>C, p.Glu1992Gln (NM_001127221.2); c.5980G>C, p.Glu1994Gln (NM_001174080.2); short protein forms E1991Q, E1992Q, E1994Q, E1997Q.
Identifiers: ClinVar variation 1311811 (VCV001311811.2), dbSNP rs2054860673, ClinGen allele CA404333591.
Genomic context (GRCh38, chr19:13,212,710, plus strand): 5'-GCTGGGTGGAGGGGAGGGCGTTCTGGCCAGGTCCCCCTTCCTGCGTTGGGGACGGGGGCT[C>G]CATGCGCTGGAACATGAGGGGTGTCCGGTCCTGGGGAATGGGGCAGAGAGCAGTGTGTGG-3'
Protein context (NP_001120694.1, residues 1981-2001): DRTPLMFQRM[Glu1991Gln]PPSPTQEGGP

ClinVar aggregate classification (germline): Uncertain significance (1 of 4 stars; one submission).

Submission:

GeneDx
Classification: Uncertain significance. Last evaluated: 2020-01-14. Review status: criteria provided, single submitter. Criteria: GeneDx Variant Classification Process June 2021. Collection method: clinical testing. Allele origin: germline. Affected: yes.
Comment: Not observed in large population cohorts (Lek et al., 2016); In silico analysis, which includes protein predictors and evolutionary conservation, supports that this variant does not alter protein structure/function; Has not been previously published as pathogenic or benign to our knowledge